The following is an entry in ClinVar:

ClinVar aggregate classification (germline): Uncertain significance. Review status: criteria provided, single submitter (1 of 4 stars). 2 submissions from 2 submitters: Uncertain significance (1). 1 of the submissions does not count toward it. Last evaluated 2023-09-05.

Conditions:
Focal segmental glomerulosclerosis (FSGS). Also called: Glomerulosclerosis, focal; Focal sclerosis with hyalinosis. Identifiers: MedGen C0017668, MONDO:0100313, HP:0000097. Disease mechanism: loss of function.
MYO9A-related disorder. Also called: MYO9A-related condition.

Allele frequency attached by ClinVar (database versions not stated): gnomAD 0.00011; TOPMed 0.00014; ESP Exome Variant Server 0.00023.
gnomAD v4.1: 46 of 1,613,772 alleles (0.0029%); highest among the groups gnomAD compares: African/African-American, 0.057%; no homozygotes.

Submissions (2):

PreventionGenetics, part of Exact Sciences
Classification: Uncertain significance for MYO9A-related condition. Last evaluated: 2023-09-05. Review status: criteria provided, single submitter. Criteria: ACMG Guidelines, 2015. Collection method: clinical testing. Allele origin: germline.
Comment: The MYO9A c.2295G>C variant is predicted to result in the amino acid substitution p.Glu765Asp. To our knowledge, this variant has not been reported in the literature in a patient with a MYO9A related disorder. This variant is reported in 0.060% of alleles in individuals of African descent in gnomAD. At this time, the clinical significance of this variant is uncertain due to the absence of conclusive functional and genetic evidence.

Yale Center for Mendelian Genomics, Yale University
Classification: Uncertain significance for Focal segmental glomerulosclerosis. Last evaluated: 2021-01-04. Review status: no assertion criteria provided. Collection method: literature only. Allele origin: germline. Affected: yes. Observed: 1 heterozygote. Study: Yale Center for Mendelian Genomics. Not counted in ClinVar's aggregate classification.

Literature cited by the submitters: PubMed 33412162 (cited by Yale Center for Mendelian Genomics, Yale University).

NM_006901.4(MYO9A):c.2295G>C (p.Glu765Asp)

Gene: MYO9A (myosin IXA; minus strand). Cytogenetic location: 15q23.
Variant type: single nucleotide variant.
Coding change: c.2295G>C on transcript NM_006901.4 (MANE Select); coding-DNA position 2295, G replaced by C.
Protein change: p.Glu765Asp; replaces glutamic acid 765 with aspartic acid.
Molecular consequence: missense variant.
Genome position (GRCh38, 1-based): chr15:71,951,784, C>G on the plus strand (G>C on the coding strand, the complement: MYO9A is on the minus strand). VCF-style: chr15-71951784-C-G. GRCh37 (hg19) VCF-style: chr15-72244125-C-G.
Other names: short protein forms E765D.
Identifiers: ClinVar variation 1344826 (VCV001344826.2), dbSNP rs147776325, ClinGen allele CA7641937.